The following is an entry in ClinVar:

ClinVar aggregate classification (germline): Pathogenic. Review status: criteria provided, multiple submitters, no conflicts (2 of 4 stars). 4 submissions from 4 submitters: Pathogenic (4). Last evaluated 2026-05-04.

Conditions:
Ehlers-Danlos syndrome, classic type, 1 (EDSCL1). Also called: EDS I; EHLERS-DANLOS SYNDROME, GRAVIS TYPE; EHLERS-DANLOS SYNDROME, SEVERE CLASSIC TYPE; Ehlers-Danlos syndrome, type 1; Ehlers-Danlos Syndrome, Classic Type, COL5A1-Related. Identifiers: MedGen C0268335, MONDO:0019567, OMIM 130000.
Osteogenesis imperfecta type I (OI1). Also called: OI, TYPE I; OSTEOGENESIS IMPERFECTA TARDA; OSTEOGENESIS IMPERFECTA WITH BLUE SCLERAE; Osteogenesis imperfecta type 1; Lobstein's Disease; Lobstein disease. Identifiers: Orphanet 216796, Orphanet 666, MedGen C0023931, MONDO:0008146, OMIM 166200. Disease mechanism: loss of function.
COL1A2-related disorder. Also called: COL1A2-Related Disorders; COL1A2-related condition.
Cardiovascular phenotype. Identifiers: MedGen CN230736.

Submissions (4):

Ambry Genetics
Classification: Pathogenic for Cardiovascular phenotype. Last evaluated: 2026-05-04. Review status: criteria provided, single submitter. Criteria: Ambry Variant Classification Scheme 2023. Collection method: clinical testing. Allele origin: germline.
Comment: The c.2565+1G>A intronic alteration consists of a G to A substitution one nucleotide after Intron 40 (C) of the COL1A2 gene. Variants that disrupt the canonical splice site are expected to cause aberrant splicing, resulting in an abnormal protein or a transcript that is subject to nonsense-mediated mRNA decay. Loss of function of COL1A2 has not been established as a mechanism of disease for autosomal dominant COL1A2-related osteogenesis imperfecta/ overlap disorder. for autosomal dominant COL1A2-related osteogenesis imperfecta/ overlap disorder; however, its clinical significance for autosomal dominant COL1A2-related anthrochalasia type Ehlers-Danlos syndrome and autosomal recessive COL1A2-related cardiac valvular type Ehlers-Danlos syndrome is uncertain. This variant was not reported in population-based cohorts in the Genome Aggregation Database (gnomAD). This variant was reported in individual(s) with features consistent with COL1A2-related osteogenesis imperfecta/ overlap disorder; in at least one individual, it was determined to be de novo (Lee, 2006; Mrosk, 2018; He, 2021). Other variant(s) impacting the same donor site (c.2565+1G>C, c.2565+2T>A) have been identified in individual(s) with features consistent with COL1A2-related osteogenesis imperfecta/ overlap disorder (MacCarrick, 2024; Selina, 2025). This nucleotide position is highly conserved in available vertebrate species. In silico splice site analysis predicts that this alteration will weaken the native splice donor site and will result in the creation or strengthening of a novel splice donor site. Based on the available evidence, this alteration is classified as pathogenic.

Labcorp Genetics (formerly Invitae), Labcorp
Classification: Pathogenic for Osteogenesis imperfecta type I; Ehlers-Danlos syndrome, classic type, 1. Last evaluated: 2025-10-11. Review status: criteria provided, single submitter. Criteria: Invitae Variant Classification Sherloc (09022015). Collection method: clinical testing. Allele origin: germline.
Comment: This sequence change affects a donor splice site in intron 40 of the COL1A2 gene. It is expected to disrupt RNA splicing. Variants that disrupt the donor or acceptor splice site typically lead to a loss of protein function (PMID: 16199547), and loss-of-function variants in COL1A2 are known to be pathogenic (PMID: 11288717, 15077201). This variant is not present in population databases (gnomAD no frequency). Disruption of this splice site has been observed in individual(s) with autosomal dominant osteogenesis imperfecta, types III and IV (PMID: 16705691, 26177859). In at least one individual the variant was observed to be de novo. ClinVar contains an entry for this variant (Variation ID: 456819). Algorithms developed to predict the effect of sequence changes on RNA splicing suggest that this variant may disrupt the consensus splice site. For these reasons, this variant has been classified as Pathogenic.

PreventionGenetics, part of Exact Sciences
Classification: Pathogenic for COL1A2-related condition. Last evaluated: 2024-12-24. Review status: criteria provided, single submitter. Criteria: ACMG Guidelines, 2015. Collection method: clinical testing. Allele origin: germline.
Comment: The COL1A2 c.2565+1G>A variant is predicted to disrupt the GT donor site and interfere with normal splicing. This variant has been reported to be causative for osteogenesis imperfecta type III and type IV, including multiple de novo cases (Lee et al. 2006. PubMed ID: 16705691; Table S1, Lindahl et al. 2015. PubMed ID: 26177859; He et al. 2021. PubMed ID: 34367232). This variant has not been reported in a large population database (gnomAD), indicating this variant is rare. Variants that disrupt the consensus splice donor site in COL1A2 are expected to be pathogenic. This variant is interpreted as pathogenic.

Revvity Omics, Revvity
Classification: Pathogenic. Last evaluated: 2024-03-17. Review status: criteria provided, single submitter. Criteria: ACMG Guidelines, 2015. Collection method: clinical testing. Allele origin: germline.

Literature cited by the submitters: PubMed 16705691 (cited by Ambry Genetics and Labcorp Genetics (formerly Invitae), Labcorp); PubMed 29499418 (cited by Ambry Genetics); PubMed 34367232 (cited by Ambry Genetics); PubMed 38702915 (cited by Ambry Genetics); PubMed 40047057 (cited by Ambry Genetics); PubMed 16199547 (cited by Labcorp Genetics (formerly Invitae), Labcorp); PubMed 11288717 (cited by Labcorp Genetics (formerly Invitae), Labcorp); PubMed 15077201 (cited by Labcorp Genetics (formerly Invitae), Labcorp); PubMed 26177859 (cited by Labcorp Genetics (formerly Invitae), Labcorp).

NM_000089.4(COL1A2):c.2565+1G>A

Gene: COL1A2 (collagen type I alpha 2 chain; plus strand). Cytogenetic location: 7q21.3.
Variant type: single nucleotide variant.
Coding change: c.2565+1G>A on transcript NM_000089.4 (MANE Select); the canonical splice donor site of the intron after coding-DNA position 2565, G replaced by A.
Molecular consequence: splice donor variant.
Genome position (GRCh38, 1-based): chr7:94,423,119, G>A. VCF-style: chr7-94423119-G-A. GRCh37 (hg19) VCF-style: chr7-94052431-G-A.
Identifiers: ClinVar variation 456819 (VCV000456819.13), dbSNP rs72658198, ClinGen allele CA162938093.